The following is an entry in ClinVar:

ClinVar aggregate classification (germline): Uncertain significance. Review status: criteria provided, multiple submitters, no conflicts (2 of 4 stars). 2 submissions from 2 submitters: Uncertain significance (2). Last evaluated 2025-02-28.

Conditions:
Methylmalonic acidemia due to transcobalamin receptor defect (MATR). Also called: METHYLMALONIC ACIDEMIA, TCblR TYPE; METHYLMALONIC ACIDURIA, TRANSIENT, DUE TO TRANSCOBALAMIN RECEPTOR DEFECT. Identifiers: Orphanet 280183, MedGen C4749905, MONDO:0013341, OMIM 613646.

Allele frequency attached by ClinVar (database versions not stated): gnomAD exomes below 0.00001; ExAC 0.00003; gnomAD 0.00003 and 0.00004; TOPMed 0.00005.
gnomAD v4.1: 11 of 1,594,028 alleles (0.00069%); highest among the groups gnomAD compares: African/African-American, 0.012%; no homozygotes.

Submissions (2):

Ambry Genetics
Classification: Uncertain significance. Last evaluated: 2025-02-28. Review status: criteria provided, single submitter. Criteria: Ambry Variant Classification Scheme 2023. Collection method: clinical testing. Allele origin: germline.

Labcorp Genetics (formerly Invitae), Labcorp
Classification: Uncertain significance for Methylmalonic acidemia due to transcobalamin receptor defect. Last evaluated: 2023-03-26. Review status: criteria provided, single submitter. Criteria: Invitae Variant Classification Sherloc (09022015). Collection method: clinical testing. Allele origin: germline.
Comment: The frequency data for this variant in the population databases is considered unreliable, as metrics indicate poor data quality at this position in the gnomAD database. In summary, the available evidence is currently insufficient to determine the role of this variant in disease. Therefore, it has been classified as a Variant of Uncertain Significance. An algorithm developed to predict the effect of missense changes on protein structure and function (PolyPhen-2) suggests that this variant is likely to be disruptive. ClinVar contains an entry for this variant (Variation ID: 648543). This variant has not been reported in the literature in individuals affected with CD320-related conditions. This sequence change replaces glycine, which is neutral and non-polar, with valine, which is neutral and non-polar, at codon 166 of the CD320 protein (p.Gly166Val).

NM_016579.4(CD320):c.497G>T (p.Gly166Val)

Gene: CD320 (CD320 molecule; minus strand). Cytogenetic location: 19p13.2.
Variant type: single nucleotide variant.
Coding change: c.497G>T on transcript NM_016579.4 (MANE Select); coding-DNA position 497, G replaced by T.
Protein change: p.Gly166Val; replaces glycine 166 with valine.
Molecular consequence: missense variant.
Genome position (GRCh38, 1-based): chr19:8,303,860, C>A on the plus strand (G>T on the coding strand, the complement: CD320 is on the minus strand). VCF-style: chr19-8303860-C-A. GRCh37 (hg19) VCF-style: chr19-8368744-C-A.
Other names: c.371G>T, p.Gly124Val (NM_001165895.2); short protein forms G166V, G124V.
Identifiers: ClinVar variation 648543 (VCV000648543.9), dbSNP rs769438880, ClinGen allele CA9154720.